The following is an entry in ClinVar:

NM_000417.3(IL2RA):c.733G>A (p.Gly245Ser)

Gene: IL2RA (interleukin 2 receptor subunit alpha; minus strand). Cytogenetic location: 10p15.1.
Variant type: single nucleotide variant.
Coding change: c.733G>A on transcript NM_000417.3 (MANE Select); coding-DNA position 733, G replaced by A.
Protein change: p.Gly245Ser; replaces glycine 245 with serine.
Molecular consequence: missense variant.
Genome position (GRCh38, 1-based): chr10:6,018,114, C>T on the plus strand (G>A on the coding strand, the complement: IL2RA is on the minus strand). VCF-style: chr10-6018114-C-T. GRCh37 (hg19) VCF-style: chr10-6060077-C-T.
Other names: c.517G>A, p.Gly173Ser (NM_001308242.2); c.445G>A, p.Gly149Ser (NM_001308243.2); short protein forms G149S, G173S, G245S.
Identifiers: ClinVar variation 1060991 (VCV001060991.10), dbSNP rs769206097, ClinGen allele CA5397318.

ClinVar aggregate classification (germline): Uncertain significance. Review status: criteria provided, multiple submitters, no conflicts (2 of 4 stars). 2 submissions from 2 submitters: Uncertain significance (2). Last evaluated 2022-09-01.

Conditions:
Immunodeficiency due to CD25 deficiency. Also called: IMMUNODEFICIENCY 41 WITH LYMPHOPROLIFERATION AND AUTOIMMUNITY; CD25 DEFICIENCY; IL2RA DEFICIENCY. Identifiers: Orphanet 169100, MedGen C1853392, MONDO:0011664, OMIM 606367.

Allele frequency attached by ClinVar (database versions not stated): ExAC 0.00001; gnomAD exomes 0.00001; TOPMed 0.00002.
gnomAD v4.1: 17 of 1,613,800 alleles (0.0011%); highest among the groups gnomAD compares: South Asian, 0.0066%; no homozygotes.

Submissions (2):

Labcorp Genetics (formerly Invitae), Labcorp
Classification: Uncertain significance for Immunodeficiency due to CD25 deficiency. Last evaluated: 2022-09-01. Review status: criteria provided, single submitter. Criteria: Invitae Variant Classification Sherloc (09022015). Collection method: clinical testing. Allele origin: germline.
Comment: In summary, the available evidence is currently insufficient to determine the role of this variant in disease. Therefore, it has been classified as a Variant of Uncertain Significance. Algorithms developed to predict the effect of missense changes on protein structure and function output the following: SIFT: "Tolerated"; PolyPhen-2: "Benign"; Align-GVGD: "Class C0". The serine amino acid residue is found in multiple mammalian species, which suggests that this missense change does not adversely affect protein function. ClinVar contains an entry for this variant (Variation ID: 1060991). This variant has not been reported in the literature in individuals affected with IL2RA-related conditions. This variant is present in population databases (rs769206097, gnomAD 0.007%). This sequence change replaces glycine, which is neutral and non-polar, with serine, which is neutral and polar, at codon 245 of the IL2RA protein (p.Gly245Ser).

GeneDx
Classification: Uncertain significance. Last evaluated: 2019-11-26. Review status: criteria provided, single submitter. Criteria: GeneDx Variant Classification Process June 2021. Collection method: clinical testing. Allele origin: germline. Affected: yes.
Comment: In silico analysis, which includes protein predictors and evolutionary conservation, supports that this variant does not alter protein structure/function; Has not been previously published as pathogenic or benign to our knowledge